The following is an entry in ClinVar:

ClinVar aggregate classification (germline): Uncertain significance (1 of 4 stars; one submission).

Conditions:
Cardiovascular phenotype. Identifiers: MedGen CN230736.

Submission:

Ambry Genetics
Classification: Uncertain significance for Cardiovascular phenotype. Last evaluated: 2023-12-21. Review status: criteria provided, single submitter. Criteria: Ambry Variant Classification Scheme 2023. Collection method: clinical testing. Allele origin: germline.
Comment: The p.L215V variant (also known as c.643T>G), located in coding exon 7 of the LDLRAP1 gene, results from a T to G substitution at nucleotide position 643. The leucine at codon 215 is replaced by valine, an amino acid with highly similar properties. This amino acid position is conserved. In addition, this alteration is predicted to be tolerated by in silico analysis. Since supporting evidence is limited at this time, the clinical significance of this alteration remains unclear.

NM_015627.3(LDLRAP1):c.643T>G (p.Leu215Val)

Gene: LDLRAP1 (low density lipoprotein receptor adaptor protein 1; plus strand). Cytogenetic location: 1p36.11.
Variant type: single nucleotide variant.
Coding change: c.643T>G on transcript NM_015627.3 (MANE Select); coding-DNA position 643, T replaced by G.
Protein change: p.Leu215Val; replaces leucine 215 with valine.
Molecular consequence: missense variant.
Genome position (GRCh38, 1-based): chr1:25,563,687, T>G. VCF-style: chr1-25563687-T-G. GRCh37 (hg19) VCF-style: chr1-25890178-T-G.
Other names: short protein forms L215V.
Identifiers: ClinVar variation 3226702 (VCV003226702.1), dbSNP rs2524121390, ClinGen allele CA339074330.